The following is an entry in ClinVar:

NM_004522.3(KIF5C):c.228A>C (p.Glu76Asp)

Gene: KIF5C (kinesin family member 5C; plus strand). Cytogenetic location: 2q23.1.
Variant type: single nucleotide variant.
Coding change: c.228A>C on transcript NM_004522.3 (MANE Select); coding-DNA position 228, A replaced by C.
Protein change: p.Glu76Asp; replaces glutamic acid 76 with aspartic acid.
Molecular consequence: missense variant.
Genome position (GRCh38, 1-based): chr2:148,929,291, A>C. VCF-style: chr2-148929291-A-C. GRCh37 (hg19) VCF-style: chr2-149686860-A-C.
Other names: short protein forms E76D.
Identifiers: ClinVar variation 3775839 (VCV003775839.1).

ClinVar aggregate classification (germline): Uncertain significance (1 of 4 stars; one submission).

Conditions:
Complex cortical dysplasia with other brain malformations 2. Identifiers: MedGen C3809013, MONDO:0014116, OMIM 615282.

Submission:

3billion
Classification: Uncertain significance for Complex cortical dysplasia with other brain malformations 2. Last evaluated: 2023-06-14. Review status: criteria provided, single submitter. Criteria: ACMG Guidelines, 2015. Collection method: clinical testing. Allele origin: germline. Affected: yes.
Comment: The variant is not observed in the gnomAD v2.1.1 dataset. Predicted Consequence/Location: Missense changes are a common disease-causing mechanism. Therefore, this variant is classified as VUS according to the recommendation of ACMG/AMP guideline.